The following is an entry in ClinVar:

ClinVar aggregate classification (germline): Likely pathogenic (1 of 4 stars; one submission).

Submission:

Labcorp Genetics (formerly Invitae), Labcorp
Classification: Likely pathogenic. Last evaluated: 2023-05-21. Review status: criteria provided, single submitter. Criteria: Invitae Variant Classification Sherloc (09022015). Collection method: clinical testing. Allele origin: germline.
Comment: This sequence change affects a donor splice site in intron 2 of the ACO2 gene. It is expected to disrupt RNA splicing. Variants that disrupt the donor or acceptor splice site typically lead to a loss of protein function (PMID: 16199547), and loss-of-function variants in ACO2 are known to be pathogenic (PMID: 30689204, 32519519). This variant is not present in population databases (gnomAD no frequency). This variant has not been reported in the literature in individuals affected with ACO2-related conditions. ClinVar contains an entry for this variant (Variation ID: 1521202). Algorithms developed to predict the effect of sequence changes on RNA splicing suggest that this variant may disrupt the consensus splice site. In summary, the currently available evidence indicates that the variant is pathogenic, but additional data are needed to prove that conclusively. Therefore, this variant has been classified as Likely Pathogenic.

Literature cited by the submitters: PubMed 16199547; PubMed 30689204; PubMed 32519519.

NM_001098.3(ACO2):c.173+1G>T

Gene: ACO2 (aconitase 2; plus strand). Cytogenetic location: 22q13.2.
Variant type: single nucleotide variant.
Coding change: c.173+1G>T on transcript NM_001098.3 (MANE Select); the canonical splice donor site of the intron after coding-DNA position 173, G replaced by T.
Molecular consequence: splice donor variant.
Genome position (GRCh38, 1-based): chr22:41,499,863, G>T. VCF-style: chr22-41499863-G-T. GRCh37 (hg19) VCF-style: chr22-41895867-G-T.
Identifiers: ClinVar variation 1521202 (VCV001521202.6), dbSNP rs2146106285, ClinGen allele CA411712175.